The following is an entry in ClinVar:

NM_024675.4(PALB2):c.2064C>G (p.Asn688Lys)

Gene: PALB2 (partner and localizer of BRCA2; minus strand). Cytogenetic location: 16p12.2.
Variant type: single nucleotide variant.
Coding change: c.2064C>G on transcript NM_024675.4 (MANE Select); coding-DNA position 2064, C replaced by G.
Protein change: p.Asn688Lys; replaces asparagine 688 with lysine.
Molecular consequence: missense variant. On other transcripts: intron variant (1).
Genome position (GRCh38, 1-based): chr16:23,630,090, G>C on the plus strand (C>G on the coding strand, the complement: PALB2 is on the minus strand). VCF-style: chr16-23630090-G-C. GRCh37 (hg19) VCF-style: chr16-23641411-G-C.
Other names: c.2004C>G, p.Asn668Lys (NM_001407296.1); c.2064C>G, p.Asn688Lys (NM_001407297.1, NM_001407298.1, NM_001407299.1 and 3 more transcripts); c.1179C>G, p.Asn393Lys (NM_001407304.1, NM_001407305.1, NM_001407306.1 and 5 more transcripts); c.276C>G, p.Asn92Lys (NM_001407312.1, NM_001407313.1); c.49-815C>G (NM_001407314.1); short protein forms N668K, N688K, N92K, N393K.
Identifiers: ClinVar variation 4741244 (VCV004741244.1).

ClinVar aggregate classification (germline): Uncertain significance (1 of 4 stars; one submission).

Conditions:
Familial cancer of breast. Also called: BREAST CANCER, FAMILIAL; Hereditary breast cancer; hereditary breast carcinoma. Identifiers: Orphanet 227535, MedGen C0346153, MONDO:0016419, OMIM 114480. Disease mechanism: loss of function.

Submission:

Labcorp Genetics (formerly Invitae), Labcorp
Classification: Uncertain significance for Familial cancer of breast. Last evaluated: 2025-06-26. Review status: criteria provided, single submitter. Criteria: Invitae Variant Classification Sherloc (09022015). Collection method: clinical testing. Allele origin: germline.
Comment: This sequence change replaces asparagine, which is neutral and polar, with lysine, which is basic and polar, at codon 688 of the PALB2 protein (p.Asn688Lys). This variant is not present in population databases (gnomAD no frequency). This variant has not been reported in the literature in individuals affected with PALB2-related conditions. Invitae Evidence Modeling of protein sequence and biophysical properties (such as structural, functional, and spatial information, amino acid conservation, physicochemical variation, residue mobility, and thermodynamic stability) indicates that this missense variant is not expected to disrupt PALB2 protein function with a negative predictive value of 80%. In summary, the available evidence is currently insufficient to determine the role of this variant in disease. Therefore, it has been classified as a Variant of Uncertain Significance.